The following is an entry in ClinVar:

NM_000088.4(COL1A1):c.521G>A (p.Gly174Glu)

Gene: COL1A1 (collagen type I alpha 1 chain; minus strand). Cytogenetic location: 17q21.33.
Variant type: single nucleotide variant.
Coding change: c.521G>A on transcript NM_000088.4 (MANE Select); coding-DNA position 521, G replaced by A.
Protein change: p.Gly174Glu; replaces glycine 174 with glutamic acid.
Molecular consequence: missense variant.
Genome position (GRCh38, 1-based): chr17:50,198,455, C>T on the plus strand (G>A on the coding strand, the complement: COL1A1 is on the minus strand). VCF-style: chr17-50198455-C-T. GRCh37 (hg19) VCF-style: chr17-48275816-C-T.
Other names: short protein forms G174E.
Identifiers: ClinVar variation 2849856 (VCV002849856.3), dbSNP rs2509249693, ClinGen allele CA400226118.

ClinVar aggregate classification (germline): Uncertain significance (1 of 4 stars; one submission).

Conditions:
Osteogenesis imperfecta type I (OI1). Also called: OI, TYPE I; OSTEOGENESIS IMPERFECTA TARDA; OSTEOGENESIS IMPERFECTA WITH BLUE SCLERAE; Lobstein disease; Osteogenesis imperfecta type 1; Lobstein's Disease. Identifiers: Orphanet 216796, Orphanet 666, MedGen C0023931, MONDO:0008146, OMIM 166200. Disease mechanism: loss of function.

Submission:

Labcorp Genetics (formerly Invitae), Labcorp
Classification: Uncertain significance for Osteogenesis imperfecta type I. Last evaluated: 2023-06-04. Review status: criteria provided, single submitter. Criteria: Invitae Variant Classification Sherloc (09022015). Collection method: clinical testing. Allele origin: germline.
Comment: This variant is not present in population databases (gnomAD no frequency). This variant has not been reported in the literature in individuals affected with COL1A1-related conditions. Advanced modeling of protein sequence and biophysical properties (such as structural, functional, and spatial information, amino acid conservation, physicochemical variation, residue mobility, and thermodynamic stability) performed at Invitae indicates that this missense variant is not expected to disrupt COL1A1 protein function. In summary, the available evidence is currently insufficient to determine the role of this variant in disease. Therefore, it has been classified as a Variant of Uncertain Significance. This sequence change replaces glycine, which is neutral and non-polar, with glutamic acid, which is acidic and polar, at codon 174 of the COL1A1 protein (p.Gly174Glu).